The following is an entry in ClinVar:

ClinVar aggregate classification (germline): Pathogenic/Likely pathogenic. Review status: criteria provided, multiple submitters, no conflicts (2 of 4 stars). 3 submissions from 3 submitters: Pathogenic (2); Likely pathogenic (1). Last evaluated 2025-12-24.

Conditions:
Neurodevelopmental disorder with hypotonia, brain anomalies, distinctive facies, and absent language. Also called: RNU4-2-Related Neurodevelopmental Disorder; RNU4-2–Related Autosomal Dominant Neurodevelopmental Disorder; ReNU SYNDROME. Identifiers: Orphanet 686488, MedGen C5935628, MONDO:0971172, OMIM 620851.

gnomAD v4.1: 1 of 152,108 alleles (0.00066%); highest among the groups gnomAD compares: Admixed American, 0.0066%; no homozygotes.

Submissions (3):

3billion
Classification: Likely pathogenic for Neurodevelopmental disorder with hypotonia, brain anomalies, distinctive facies, and absent language. Last evaluated: 2025-12-24. Review status: criteria provided, single submitter. Criteria: ACMG Guidelines, 2015. Collection method: clinical testing. Allele origin: germline. Affected: yes.
Comment: The variant is observed at an extremely low frequency in the gnomAD v4.1.0 dataset (total allele frequency: <0.001%). Predicted Consequence/Location: Non coding variant The variant has been previously reported as de novo in a similarly affected individual (PMID: 38821540). The variant has been reported to be associated with RNU4-2-related disorder (ClinVar ID: VCV003766424 /PMID: 38821540). Therefore, this variant is classified as Likely pathogenic according to the recommendation of ACMG/AMP guideline.

CeGaT Center for Human Genetics Tuebingen
Classification: Pathogenic. Last evaluated: 2025-11-01. Review status: criteria provided, single submitter. Criteria: CeGaT Center For Human Genetics Tuebingen Variant Classification Criteria Version 2. Collection method: clinical testing. Allele origin: germline. Affected: yes. Observed: 1 variant allele.
Comment: RNU4-2: PS2:Very Strong, PM2, PS4:Moderate

Institute for Human Genetics, University Hospital Essen
Classification: Pathogenic for Neurodevelopmental disorder with hypotonia, brain anomalies, distinctive facies, and absent language. Last evaluated: 2005-03-05. Review status: criteria provided, single submitter. Criteria: ACMG Guidelines, 2015. Collection method: clinical testing. Allele origin: de novo. Inheritance: Autosomal dominant inheritance. Affected: yes.
Comment: PM2_supp, PS2, PS3, PS4_mod

Literature cited by the submitters: PubMed 38821540 (cited by 3billion).

NR_003137.3(RNU4-2):n.76C>T

Genes: RNU4-2 (RNA, U4 small nuclear 2; minus strand), SIRT4 (sirtuin 4; plus strand). Cytogenetic location: 12q24.23.
Variant type: single nucleotide variant.
Molecular consequence: non-coding transcript variant (on NR_003137.3).
Genome position: GRCh38 VCF-style: chr12-120291828-G-A. GRCh37 (hg19) VCF-style: chr12-120729631-G-A.
Identifiers: ClinVar variation 3766424 (VCV003766424.7).